The following is an entry in ClinVar:

ClinVar aggregate classification (germline): Uncertain significance (1 of 4 stars; one submission).

Conditions:
Amyotrophic lateral sclerosis type 4 (ALS4). Also called: AMYOTROPHIC LATERAL SCLEROSIS 4, JUVENILE; NEURONOPATHY, DISTAL HEREDITARY MOTOR, WITH PYRAMIDAL FEATURES. Identifiers: Orphanet 357043, MedGen C1865409, MONDO:0011223, OMIM 602433.
Spinocerebellar ataxia, autosomal recessive, with axonal neuropathy 2 (SCAN2). Also called: ATAXIA-OCULOMOTOR APRAXIA 2; Ataxia-ocular apraxia-2; Ataxia with Oculomotor Apraxia Type 2; Ataxia with Oculomotor Apraxia. Identifiers: Orphanet 64753, MedGen C1853761, MONDO:0018996, OMIM 606002.

Allele frequency attached by ClinVar (database versions not stated): ExAC 0.00001; gnomAD exomes 0.00001; TOPMed 0.00001.
gnomAD v4.1: 8 of 1,613,848 alleles (0.0005%); highest among the groups gnomAD compares: Non-Finnish European, 0.00059%; no homozygotes.

Submission:

Labcorp Genetics (formerly Invitae), Labcorp
Classification: Uncertain significance for Amyotrophic lateral sclerosis type 4; Spinocerebellar ataxia, autosomal recessive, with axonal neuropathy 2. Last evaluated: 2017-08-08. Review status: criteria provided, single submitter. Criteria: Invitae Variant Classification Sherloc (09022015). Collection method: clinical testing. Allele origin: germline.
Comment: In summary, the available evidence is currently insufficient to determine the role of this variant in disease. Therefore, it has been classified as a Variant of Uncertain Significance. This variant is present in population databases (rs761943404, ExAC 0.002%). This variant has not been reported in the literature in individuals with SETX-related disease. Algorithms developed to predict the effect of missense changes on protein structure and function output the following: SIFT: "Tolerated"; PolyPhen-2: "Benign"; Align-GVGD: "Class C0". The leucine amino acid residue is found in multiple mammalian species, suggesting that this missense change does not adversely affect protein function. These predictions have not been confirmed by published functional studies and their clinical significance is uncertain. This sequence change replaces methionine with leucine at codon 917 of the SETX protein (p.Met917Leu). The methionine residue is weakly conserved and there is a small physicochemical difference between methionine and leucine.

NM_015046.7(SETX):c.2749A>C (p.Met917Leu)

Gene: SETX (senataxin; minus strand). Cytogenetic location: 9q34.13.
Variant type: single nucleotide variant.
Coding change: c.2749A>C on transcript NM_015046.7 (MANE Select); coding-DNA position 2749, A replaced by C.
Protein change: p.Met917Leu; replaces methionine 917 with leucine.
Molecular consequence: missense variant.
Genome position (GRCh38, 1-based): chr9:132,328,849, T>G on the plus strand (A>C on the coding strand, the complement: SETX is on the minus strand). VCF-style: chr9-132328849-T-G. GRCh37 (hg19) VCF-style: chr9-135204236-T-G.
Other names: c.2749A>C, p.Met917Leu (NM_001351527.2, NM_001351528.2); short protein forms M917L.
Identifiers: ClinVar variation 536394 (VCV000536394.9), dbSNP rs761943404, ClinGen allele CA5297539.